The following is an entry in ClinVar:

ClinVar aggregate classification (germline): Uncertain significance. Review status: criteria provided, multiple submitters, no conflicts (2 of 4 stars). 2 submissions from 2 submitters: Uncertain significance (2). Last evaluated 2023-04-26.

Conditions:
Hereditary cancer-predisposing syndrome. Also called: Hereditary Cancer Syndrome; Hereditary neoplastic syndrome; Neoplastic Syndromes, Hereditary; Tumor predisposition. Identifiers: Orphanet 140162, MedGen C0027672, MeSH D009386, MONDO:0015356.

Submissions (2):

Women's Health and Genetics/Laboratory Corporation of America, LabCorp
Classification: Uncertain significance. Last evaluated: 2023-04-26. Review status: criteria provided, single submitter. Criteria: LabCorp Variant Classification Summary - May 2015. Collection method: clinical testing. Allele origin: germline.
Comment: Variant summary: ATM c.14T>G (p.Leu5Arg) results in a non-conservative amino acid change located in the Telomere-length maintenance and DNA damage repair domain (IPR021668) of the encoded protein sequence. Four of five in-silico tools predict a damaging effect of the variant on protein function. The variant was absent in 251402 control chromosomes. The available data on variant occurrences in the general population are insufficient to allow any conclusion about variant significance. c.14T>G has been reported in the literature in at least one individual affected with breast cancer without strong evidence for causality (e.g., Girard_2019), however, this variant has not been reported in individuals affected with Ataxia-Telangiectasia. This report therefore does not provide unequivocal conclusions about association of the variant with Ataxia-Telangiectasia. To our knowledge, no experimental evidence demonstrating an impact on protein function has been reported. The following publication was ascertained in the context of this evaluation (PMID: 30303537). One clinical diagnostic laboratory has submitted clinical-significance assessments for this variant to ClinVar after 2014 and classified the variant as uncertain significance. Based on the evidence outlined above, the variant was classified as uncertain significance.

Ambry Genetics
Classification: Uncertain significance for Hereditary cancer-predisposing syndrome. Last evaluated: 2021-06-01. Review status: criteria provided, single submitter. Criteria: Ambry Variant Classification Scheme 2023. Collection method: clinical testing. Allele origin: germline.
Comment: The p.L5R variant (also known as c.14T>G), located in coding exon 1 of the ATM gene, results from a T to G substitution at nucleotide position 14. The leucine at codon 5 is replaced by arginine, an amino acid with dissimilar properties. This alteration was identified in 1/1207 cases of French women diagnosed with breast cancer who had a sister with breast cancer and were BRCA1 and BRCA2 negative and 0/1199 general population controls (Girard E et al. Int J Cancer, 2019 04;144:1962-1974). This amino acid position is highly conserved in available vertebrate species. In addition, this alteration is predicted to be deleterious by in silico analysis. Since supporting evidence is limited at this time, the clinical significance of this alteration remains unclear.

Literature cited by the submitters: PubMed 30303537 (cited by Women's Health and Genetics/Laboratory Corporation of America, LabCorp and Ambry Genetics).

NM_000051.4(ATM):c.14T>G (p.Leu5Arg)

Gene: ATM (ATM serine/threonine kinase; plus strand). Cytogenetic location: 11q22.3.
Variant type: single nucleotide variant.
Coding change: c.14T>G on transcript NM_000051.4 (MANE Select); coding-DNA position 14, T replaced by G.
Protein change: p.Leu5Arg; replaces leucine 5 with arginine.
Molecular consequence: missense variant.
Genome position (GRCh38, 1-based): chr11:108,227,638, T>G. VCF-style: chr11-108227638-T-G. GRCh37 (hg19) VCF-style: chr11-108098365-T-G.
Other names: c.14T>G, p.Leu5Arg (NM_001351834.2, NM_001351835.2, NM_001351836.2); short protein forms L5R.
Identifiers: ClinVar variation 1773992 (VCV001773992.3), dbSNP rs2135004293, ClinGen allele CA382518980.
Genomic context (GRCh38, chr11:108,227,638, plus strand): 5'-ATGTATTTTTTTTACAGACAGTGATGTGTGTTCTGAAATTGTGAACCATGAGTCTAGTAC[T>G]TAATGATCTGCTTATCTGCTGCCGTCAACTAGAACATGATAGAGCTACAGAACGAAAGGT-3'
Protein context (NP_000042.3, residues 1-15): MSLV[Leu5Arg]NDLLICCRQL